The following is an entry in ClinVar:

NM_198334.3(GANAB):c.152_153del (p.Arg51fs)

Gene: GANAB (glucosidase II alpha subunit; minus strand). Cytogenetic location: 11q12.3.
Variant type: Microsatellite.
Coding change: c.152_153del on transcript NM_198334.3 (MANE Select); coding-DNA positions 152 to 153, 2 bases deleted (GA; older notation c.152_153delGA).
Protein change: p.Arg51fs; shifts the reading frame from arginine 51.
Molecular consequence: frameshift variant. On other transcripts: 5 prime UTR variant (4), intron variant (3).
Genome position (GRCh38, 1-based): chr11:62,639,458-62,639,459, TC deleted on the plus strand (GA on the coding strand, the reverse complement: GANAB is on the minus strand); deleting any 2 consecutive bases within chr11:62,639,458-62,639,462 gives the same sequence; the c. name uses the placement nearest the transcript's 3' end. VCF-style (leftmost placement, unchanged base first): chr11-62639457-TTC-T. GRCh37 (hg19) VCF-style: chr11-62406929-TTC-T.
Other names: c.152_153del (NM_198335.3); c.-142GA[1] (NM_001329222.2, NM_001329223.2); c.-627GA[1] (NM_001329224.2, NM_001329225.2); c.152_153del, p.Arg51fs (NM_198335.4); c.39-4459_39-4458del (NM_001278193.2, NM_001278192.2); c.-40+168_-40+169del (NM_001278194.2); c.152_153delGA (NM_198335.3); short protein forms R51fs.
Identifiers: ClinVar variation 253133 (VCV000253133.14), dbSNP rs752158933, ClinGen allele CA6051196.

ClinVar aggregate classification (germline): Pathogenic/Likely pathogenic. Review status: criteria provided, multiple submitters, no conflicts (2 of 4 stars). 6 submissions from 6 submitters: Pathogenic (3); Likely pathogenic (1). 2 of the submissions do not count toward it. Last evaluated 2026-01-14.

Conditions:
GANAB-related disorder. Also called: GANAB-related condition.
POLYCYSTIC KIDNEY DISEASE 3 WITH POLYCYSTIC LIVER DISEASE.
Polycystic kidney disease 3 with or without polycystic liver disease. Also called: Polycystic Kidney and/or Polycystic Liver Disease 3; Polycystic kidney disease 3; POLYCYSTIC KIDNEY DISEASE, ADULT, TYPE III. Identifiers: MedGen C3887964, MONDO:0010916, OMIM 600666.

Submissions (6):

GeneDx
Classification: Pathogenic. Last evaluated: 2026-01-14. Review status: criteria provided, single submitter. Criteria: GeneDx Variant Classification Process June 2021. Collection method: clinical testing. Allele origin: germline.
Comment: Frameshift variant predicted to result in protein truncation or nonsense mediated decay in a gene for which loss of function is a known mechanism of disease; Not observed at significant frequency in large population cohorts (gnomAD); This variant is associated with the following publications: (PMID: 28375157, 27259053)

Genetic Services Laboratory, University of Chicago
Classification: Likely pathogenic. Last evaluated: 2023-10-31. Review status: criteria provided, single submitter. Criteria: ACMG Guidelines, 2015. Collection method: clinical testing. Allele origin: germline. Affected: yes.
Comment: DNA sequence analysis of the GANAB gene demonstrated a two base pair deletion in exon 3, c.152_153del. This sequence change results in an amino acid frameshift and creates a premature stop codon 21 amino acids downstream of the change, p.Arg51Lysfs*21. This likely pathogenic sequence change is predicted to result in an abnormal transcript, which may be degraded, or may lead to the production of a truncated GANAB protein with potentially abnormal function. This sequence change has been described in the gnomAD database in one individual, which corresponds to an overall population frequency of 0.0004% (dbSNP rs752158933). This sequence change has previously been reported in several individuals with polycystic kidney disease and polycystic liver disease [PMID: 27259053, 28375157]. Preliminary functional studies suggest that the p.Arg51Lysfs*21 sequence change results in decreased enzymatic activity compared to wild-type GANAB [PMID: 28375157]; however, additional evidence is required to prove this conclusively. Collectively, this evidence indicates that this sequence change is likely pathogenic.

Labcorp Genetics (formerly Invitae), Labcorp
Classification: Pathogenic. Last evaluated: 2022-01-17. Review status: criteria provided, single submitter. Criteria: Invitae Variant Classification Sherloc (09022015). Collection method: clinical testing. Allele origin: germline.
Comment: For these reasons, this variant has been classified as Pathogenic. This premature translational stop signal has been observed in individual(s) with autosomal dominant polycystic kidney and liver disease (PMID: 27259053). This variant is present in population databases (rs752158933, gnomAD 0.0009%). This sequence change creates a premature translational stop signal (p.Arg51Lysfs*21) in the GANAB gene. It is expected to result in an absent or disrupted protein product. Loss-of-function variants in GANAB are known to be pathogenic (PMID: 27259053).

Fulgent Genetics
Classification: Pathogenic for Polycystic kidney disease 3 with or without polycystic liver disease. Last evaluated: 2021-08-20. Review status: criteria provided, single submitter. Criteria: ACMG Guidelines, 2015. Collection method: clinical testing. Allele origin: unknown.

PreventionGenetics, part of Exact Sciences
Classification: Likely pathogenic for GANAB-related condition. Last evaluated: 2024-01-24. Review status: no assertion criteria provided. Collection method: clinical testing. Allele origin: germline. Not counted in ClinVar's aggregate classification.
Comment: The GANAB c.152_153delGA variant is predicted to result in a frameshift and premature protein termination (p.Arg51Lysfs*21). This variant was reported in two affected siblings and in another unrelated individual with polycystic kidney & liver disease, autosomal dominant (Porath et al. 2016. PubMed ID: 27259053; Besse et al. 2017. PubMed ID: 28375157). This variant is reported in 0.00088% of alleles in individuals of European (Non-Finnish) descent in gnomAD. Frameshift variants in GANAB are expected to be pathogenic. This variant is interpreted as likely pathogenic.

OMIM
Classification: Pathogenic for POLYCYSTIC KIDNEY DISEASE 3 WITH POLYCYSTIC LIVER DISEASE. Last evaluated: 2018-02-22. Review status: no assertion criteria provided. Collection method: literature only. Allele origin: germline. Not counted in ClinVar's aggregate classification.

Literature cited by the submitters: PubMed 27259053 (cited by Labcorp Genetics (formerly Invitae), Labcorp and OMIM).